The following is an entry in ClinVar:

NM_023110.3(FGFR1):c.-89+1907del

Gene: FGFR1 (fibroblast growth factor receptor 1; minus strand). Cytogenetic location: 8p11.23.
Variant type: Deletion.
Coding change: c.-89+1907del on transcript NM_023110.3 (MANE Select); 1907 bases into the intron after 89 bases upstream of the start codon, one base deleted (A; older notation c.-89+1907delA).
Molecular consequence: intron variant.
Genome position (GRCh38, 1-based): chr8:38,466,074, T deleted on the plus strand (A on the coding strand, the reverse complement: FGFR1 is on the minus strand). VCF-style (leftmost placement, unchanged base first): chr8-38466073-CT-C. GRCh37 (hg19) VCF-style: chr8-38323591-CT-C.
Other names: c.-89+1907del (NM_001354368.2, NM_001354370.2, NM_023106.3 and 4 more transcripts); c.-181+1907del (NM_001174064.2); c.-89+1598del (NM_001174066.2, NM_001354369.2, NM_001410922.1 and 1 more transcripts); c.-150+1598del (NM_001174067.2).
Identifiers: ClinVar variation 3772656 (VCV003772656.13).

ClinVar aggregate classification (germline): Likely benign (1 of 4 stars; one submission).

Submission:

CeGaT Center for Human Genetics Tuebingen
Classification: Likely benign. Last evaluated: 2024-12-01. Review status: criteria provided, single submitter. Criteria: CeGaT Center For Human Genetics Tuebingen Variant Classification Criteria Version 2. Collection method: clinical testing. Allele origin: germline. Affected: yes. Observed: 1 variant allele.
Comment: FGFR1: BS1